The following is an entry in ClinVar:

NM_004329.3(BMPR1A):c.676-12T>C

Gene: BMPR1A (bone morphogenetic protein receptor type 1A; plus strand). Cytogenetic location: 10q23.2.
Variant type: single nucleotide variant.
Coding change: c.676-12T>C on transcript NM_004329.3 (MANE Select); 12 bases into the intron before coding-DNA position 676, T replaced by C.
Molecular consequence: intron variant.
Genome position (GRCh38, 1-based): chr10:86,917,122, T>C. VCF-style: chr10-86917122-T-C. GRCh37 (hg19) VCF-style: chr10-88676879-T-C.
Identifiers: ClinVar variation 379661 (VCV000379661.16), dbSNP rs1057520681, ClinGen allele CA16605711.

ClinVar aggregate classification (germline): Likely benign. Review status: criteria provided, multiple submitters, no conflicts (2 of 4 stars). 5 submissions from 5 submitters: Likely benign (5). Last evaluated 2025-11-13.

Conditions:
Juvenile polyposis syndrome (JPS). Identifiers: Orphanet 2929, MedGen C0345893, MONDO:0017380, OMIM 174900.
Hereditary cancer-predisposing syndrome. Also called: Hereditary neoplastic syndrome; Tumor predisposition; Neoplastic Syndromes, Hereditary; Hereditary Cancer Syndrome. Identifiers: Orphanet 140162, MedGen C0027672, MeSH D009386, MONDO:0015356.

Allele frequency attached by ClinVar (database versions not stated): gnomAD 0.00001; gnomAD exomes 0.00001; TOPMed 0.00001.
gnomAD v4.1: 7 of 1,613,684 alleles (0.00043%); highest among the groups gnomAD compares: African/African-American, 0.0013%; no homozygotes.

Submissions (5):

Labcorp Genetics (formerly Invitae), Labcorp
Classification: Likely benign for Juvenile polyposis syndrome. Last evaluated: 2025-11-13. Review status: criteria provided, single submitter. Criteria: Invitae Variant Classification Sherloc (09022015). Collection method: clinical testing. Allele origin: germline.

Myriad Genetics, Inc.
Classification: Likely benign for Juvenile polyposis syndrome. Last evaluated: 2024-08-02. Review status: criteria provided, single submitter. Criteria: Myriad Autosomal Dominant, Autosomal Recessive and X-Linked Classification Criteria (2023). Collection method: clinical testing. Allele origin: unknown.
Comment: This variant is considered likely benign. This variant is intronic and is not expected to impact mRNA splicing.

All of Us Research Program, National Institutes of Health
Classification: Likely benign for Juvenile polyposis syndrome. Last evaluated: 2023-11-30. Review status: criteria provided, single submitter. Criteria: ACMG Guidelines, 2015. Collection method: clinical testing. Allele origin: germline. Inheritance: Autosomal dominant inheritance. Observed: 6 variant alleles, 6 heterozygotes.
Comment: This study involves interpretation of variants in research participants for the purpose of population health screening. Participant phenotype was not available at the time of variant classification. Additional details can be found in publication PMID: 35346344, PMCID: PMC8962531

GeneDx
Classification: Likely benign. Last evaluated: 2018-07-27. Review status: criteria provided, single submitter. Criteria: GeneDx Variant Classification Process June 2021. Collection method: clinical testing. Allele origin: germline. Affected: yes.

Color Diagnostics, LLC DBA Color Health
Classification: Likely benign for Hereditary cancer-predisposing syndrome. Last evaluated: 2018-01-25. Review status: criteria provided, single submitter. Criteria: ACMG Guidelines, 2015. Collection method: clinical testing. Allele origin: germline.